The following is an entry in ClinVar:

NM_178857.6(RP1L1):c.327C>T (p.Pro109=)

Gene: RP1L1 (RP1 like 1). Cytogenetic location: 8p23.1.
Variant type: single nucleotide variant.
Coding change: c.327C>T on transcript NM_178857.6 (MANE Select); coding-DNA position 327, C replaced by T.
Protein change: p.Pro109=; no amino-acid change (proline 109 retained).
Molecular consequence: synonymous variant.
Genome position (GRCh38, 1-based): chr8:10,622,875, G>A on the plus strand (C>T on the coding strand, the complement: RP1L1 is on the minus strand). VCF-style: chr8-10622875-G-A. GRCh37 (hg19) VCF-style: chr8-10480385-G-A.
Other names: c.327C>T (NM_178857.5).
Identifiers: ClinVar variation 1613963 (VCV001613963.35), dbSNP rs566311667, ClinGen allele CA4625759.

ClinVar aggregate classification (germline): Likely benign. Review status: criteria provided, multiple submitters, no conflicts (2 of 4 stars). 5 submissions from 5 submitters: Likely benign (5). Last evaluated 2025-07-29.

Conditions:
RP1L1-related disorder. Also called: RP1L1-related condition.
Inborn genetic diseases. Identifiers: MedGen C0950123, MeSH D030342.

Allele frequency attached by ClinVar (database versions not stated): gnomAD exomes 0.00005 and 0.00006; ExAC 0.00007; gnomAD 0.00010; 1000 Genomes Project 0.00020; TOPMed 0.00028.
gnomAD v4.1: 101 of 1,613,380 alleles (0.0063%); highest among the groups gnomAD compares: South Asian, 0.048%; 1 homozygote.

Submissions (5):

Labcorp Genetics (formerly Invitae), Labcorp
Classification: Likely benign. Last evaluated: 2025-07-29. Review status: criteria provided, single submitter. Criteria: Invitae Variant Classification Sherloc (09022015). Collection method: clinical testing. Allele origin: germline.

Ambry Genetics
Classification: Likely benign for Inborn genetic diseases. Last evaluated: 2024-11-15. Review status: criteria provided, single submitter. Criteria: Ambry Variant Classification Scheme 2023. Collection method: clinical testing. Allele origin: germline.

PreventionGenetics, part of Exact Sciences
Classification: Likely benign for RP1L1-related condition. Last evaluated: 2024-10-28. Review status: criteria provided, single submitter. Criteria: ACMG Guidelines, 2015. Collection method: clinical testing. Allele origin: germline.
Comment: This variant is classified as likely benign based on ACMG/AMP sequence variant interpretation guidelines (Richards et al. 2015 PMID: 25741868, with internal and published modifications).

Blueprint Genetics
Classification: Likely benign. Last evaluated: 2023-06-15. Review status: criteria provided, single submitter. Criteria: ACMG Guidelines, 2015. Collection method: clinical testing. Allele origin: germline.

CeGaT Center for Human Genetics Tuebingen
Classification: Likely benign. Last evaluated: 2022-04-01. Review status: criteria provided, single submitter. Criteria: CeGaT Center For Human Genetics Tuebingen Variant Classification Criteria Version 2. Collection method: clinical testing. Allele origin: germline. Affected: yes. Observed: 1 variant allele.
Comment: RP1L1: BP4, BP7